The following is an entry in ClinVar:

ClinVar aggregate classification (germline): Likely pathogenic (1 of 4 stars; one submission).

Conditions:
SHANK2-related disorder.

Submission:

Variantyx, Inc.
Classification: Likely pathogenic for SHANK2-related disorders. Last evaluated: 2026-01-21. Review status: criteria provided, single submitter. Criteria: Variantyx Assertion Criteria 2022. Collection method: clinical testing. Allele origin: germline. Inheritance: Autosomal dominant inheritance. Affected: yes.
Comment: This is a nonsense variant in the SHANK2 gene (OMIM: 603290). Pathogenic variants in this gene have been associated with autosomal dominant SHANK2-related neurodevelopmental disorder. This variant introduces a premature termination codon in exon 4 out of 26 and is expected to result in loss of function, which is a known disease mechanism for SHANK2 in this disorder (PMID: 30911184) (PVS1). It is absent from control populations (PM2) and it has not been reported in individuals with SHANK2-related disorders in the databases available for review. Based on the current evidence, this variant is classified as likely pathogenic for autosomal dominant SHANK2-related neurodevelopmental disorder. Inheritance from an unaffected or mildly affected parent has been reported in the SHANK2 gene, consistent with incomplete penetrance and/or variable expressivity (PMID: 38075274, 21994763).

Literature cited by the submitters: PubMed 30911184; PubMed 38075274; PubMed 21994763.

NM_012309.5(SHANK2):c.379C>T (p.Gln127Ter)

Gene: SHANK2 (SH3 and multiple ankyrin repeat domains 2; minus strand). Cytogenetic location: 11q13.4.
Variant type: single nucleotide variant.
Coding change: c.379C>T on transcript NM_012309.5 (MANE Select); coding-DNA position 379, C replaced by T.
Protein change: p.Gln127Ter; replaces glutamine 127 with a stop codon.
Molecular consequence: nonsense.
Genome position (GRCh38, 1-based): chr11:71,118,861, G>A on the plus strand (C>T on the coding strand, the complement: SHANK2 is on the minus strand). VCF-style: chr11-71118861-G-A. GRCh37 (hg19) VCF-style: chr11-70829907-G-A.
Other names: c.379C>T, p.Gln127Ter (NM_001441024.1, NM_001441025.1, NM_001441026.1 and 13 more transcripts); short protein forms Q127*.
Identifiers: ClinVar variation 4850145 (VCV004850145.1).
Genomic context (GRCh38, chr11:71,118,861, plus strand): 5'-AGTCCATGCACTGTGGGCTGAAATATACCTCCAGGGAAGGAACGCCCTCACCCACGGGCT[G>A]TGGGTACTCGCGCAGGAGCCGCTCCTCATCCAGGAACTTGCCGTCACGCCCATTGCTGGC-3'